The following is an entry in ClinVar:

ClinVar aggregate classification (germline): Uncertain significance (1 of 4 stars; one submission).

Conditions:
Hereditary cancer-predisposing syndrome. Also called: Neoplastic Syndromes, Hereditary; Tumor predisposition; Hereditary neoplastic syndrome; Hereditary Cancer Syndrome. Identifiers: Orphanet 140162, MedGen C0027672, MeSH D009386, MONDO:0015356.

gnomAD v4.1: 1 of 1,613,632 alleles (0.000062%); highest among the groups gnomAD compares: Non-Finnish European, 0.000085%; no homozygotes.

Submission:

Ambry Genetics
Classification: Uncertain significance for Hereditary cancer-predisposing syndrome. Last evaluated: 2025-04-03. Review status: criteria provided, single submitter. Criteria: Ambry Variant Classification Scheme 2023. Collection method: clinical testing. Allele origin: germline.
Comment: The p.Q648K variant (also known as c.1942C>A), located in coding exon 6 of the MET gene, results from a C to A substitution at nucleotide position 1942. The glutamine at codon 648 is replaced by lysine, an amino acid with similar properties. This amino acid position is conserved. In addition, this alteration is predicted to be tolerated by in silico analysis. Based on the available evidence, the clinical significance of this variant remains unclear.

NM_000245.4(MET):c.1942C>A (p.Gln648Lys)

Gene: MET (MET proto-oncogene, receptor tyrosine kinase; plus strand). Cytogenetic location: 7q31.2.
Variant type: single nucleotide variant.
Coding change: c.1942C>A on transcript NM_000245.4 (MANE Select); coding-DNA position 1942, C replaced by A.
Protein change: p.Gln648Lys; replaces glutamine 648 with lysine.
Molecular consequence: missense variant.
Genome position (GRCh38, 1-based): chr7:116,757,516, C>A. VCF-style: chr7-116757516-C-A. GRCh37 (hg19) VCF-style: chr7-116397570-C-A.
Other names: c.1942C>A, p.Gln648Lys (NM_001127500.3, NM_001324401.3); c.652C>A, p.Gln218Lys (NM_001324402.2); short protein forms Q218K, Q648K.
Identifiers: ClinVar variation 4053939 (VCV004053939.1).